The following is an entry in ClinVar:

ClinVar aggregate classification (germline): Uncertain significance. Review status: criteria provided, multiple submitters, no conflicts (2 of 4 stars). 2 submissions from 2 submitters: Uncertain significance (2). Last evaluated 2025-05-07.

Conditions:
Tuberous sclerosis syndrome (TSC). Also called: Tuberous Sclerosis Complex; Tuberous sclerosis. Identifiers: Orphanet 805, MedGen C0041341, MONDO:0001734.
Hereditary cancer-predisposing syndrome. Also called: Hereditary neoplastic syndrome; Neoplastic Syndromes, Hereditary; Tumor predisposition; Hereditary Cancer Syndrome. Identifiers: Orphanet 140162, MedGen C0027672, MeSH D009386, MONDO:0015356.

Submissions (2):

Ambry Genetics
Classification: Uncertain significance for Hereditary cancer-predisposing syndrome. Last evaluated: 2025-05-07. Review status: criteria provided, single submitter. Criteria: Ambry Variant Classification Scheme 2023. Collection method: clinical testing. Allele origin: germline.
Comment: The p.D702N variant (also known as c.2104G>A), located in coding exon 19 of the TSC2 gene, results from a G to A substitution at nucleotide position 2104. The aspartic acid at codon 702 is replaced by asparagine, an amino acid with highly similar properties. This amino acid position is conserved. In addition, the in silico prediction for this alteration is inconclusive. Based on the available evidence, the clinical significance of this variant remains unclear.

All of Us Research Program, National Institutes of Health
Classification: Uncertain significance for Tuberous sclerosis syndrome. Last evaluated: 2023-06-08. Review status: criteria provided, single submitter. Criteria: ACMG Guidelines, 2015. Collection method: clinical testing. Allele origin: germline. Inheritance: Autosomal dominant inheritance. Observed: 1 variant allele, 1 heterozygote.
Comment: This missense variant replaces aspartic acid with asparagine at codon 702 of the TSC2 protein. Computational prediction suggests that this variant may have deleterious impact on protein structure and function (internally defined REVEL score threshold >= 0.7, PMID: 27666373). To our knowledge, functional studies have not been reported for this variant. This variant has not been reported in individuals affected with TSC2-related disorders in the literature. This variant has not been identified in the general population by the Genome Aggregation Database (gnomAD). The available evidence is insufficient to determine the role of this variant in disease conclusively. Therefore, this variant is classified as a Variant of Uncertain Significance.

This study involves interpretation of variants in research participants for the purpose of population health screening. Participant phenotype was not available at the time of variant classification. Additional details can be found in publication PMID: 35346344, PMCID: PMC8962531

NM_000548.5(TSC2):c.2104G>A (p.Asp702Asn)

Gene: TSC2 (TSC complex subunit 2; plus strand). Cytogenetic location: 16p13.3.
Variant type: single nucleotide variant.
Coding change: c.2104G>A on transcript NM_000548.5 (MANE Select); coding-DNA position 2104, G replaced by A.
Protein change: p.Asp702Asn; replaces aspartic acid 702 with asparagine.
Molecular consequence: missense variant. On other transcripts: non-coding transcript variant (5).
Genome position (GRCh38, 1-based): chr16:2,072,247, G>A. VCF-style: chr16-2072247-G-A. GRCh37 (hg19) VCF-style: chr16-2122248-G-A.
Other names: c.2104G>A, p.Asp702Asn (NM_001370404.1, NM_001370405.1, NM_001406663.1 and 6 more transcripts); c.2194G>A, p.Asp732Asn (NM_001406667.1, NM_001406668.1); c.1993G>A, p.Asp665Asn (NM_001406670.1, NM_001318827.2, NM_001406678.1); c.2092G>A, p.Asp698Asn (NM_001406671.1, NM_001406673.1); c.1504G>A, p.Asp502Asn (NM_001406684.1, NM_001406685.1, NM_001406686.1 and 6 more transcripts); c.760G>A, p.Asp254Asn (NM_001406689.1, NM_001406690.1, NM_001406691.1 and 6 more transcripts); c.502G>A, p.Asp168Asn (NM_001406698.1); c.1957G>A, p.Asp653Asn (NM_001318829.2, NM_001406675.1, NM_001406676.1 and 1 more transcripts); and 3 more; short protein forms D168N, D254N, D502N, D548N, D653N, D665N, D683N, D698N.
Identifiers: ClinVar variation 3071552 (VCV003071552.2), dbSNP rs2151315707, ClinGen allele CA394274757.
Genomic context (GRCh38, chr16:2,072,247, plus strand): 5'-GCCTCTGTCTCTAGGGTCCAGAAGGCCCTGTCCTGACGCCTCCTCTCCTCGCAGGAGTCT[G>A]ACTGGAAGGTGCTGAAGCTGGTTCTGGGCAGGCTGCCTGAGTCCCTGCGCTATAAAGTGC-3'
Protein context (NP_000539.2, residues 692-712): VLLQCLKQES[Asp702Asn]WKVLKLVLGR